The following is an entry in ClinVar:

ClinVar aggregate classification (germline): Benign/Likely benign. Review status: criteria provided, multiple submitters, no conflicts (2 of 4 stars). 7 submissions from 7 submitters: Benign (2); Likely benign (5). Last evaluated 2026-05-12.

Conditions:
Thyroid dyshormonogenesis 6 (TDH6). Also called: HYPOTHYROIDISM, CONGENITAL, DUE TO DYSHORMONOGENESIS, 6; Genetic transient congenital hypothyroidism; THYROID HORMONOGENESIS, GENETIC DEFECT IN, 6. Identifiers: Orphanet 226316, Orphanet 95716, MedGen C1846632, MONDO:0011792, OMIM 607200.

Allele frequency attached by ClinVar (database versions not stated): gnomAD exomes 0.00333; ExAC 0.00567; 1000 Genomes Project 0.01438.

Submissions (7):

Women's Health and Genetics/Laboratory Corporation of America, LabCorp
Classification: Benign. Last evaluated: 2026-05-12. Review status: criteria provided, single submitter. Criteria: LabCorp Variant Classification Summary - May 2015. Collection method: clinical testing. Allele origin: germline.

Labcorp Genetics (formerly Invitae), Labcorp
Classification: Likely benign. Last evaluated: 2026-02-02. Review status: criteria provided, single submitter. Criteria: Invitae Variant Classification Sherloc (09022015). Collection method: clinical testing. Allele origin: germline.

Blueprint Genetics
Classification: Likely benign. Last evaluated: 2024-11-26. Review status: criteria provided, single submitter. Criteria: ACMG Guidelines, 2015. Collection method: clinical testing. Allele origin: germline.

Mayo Clinic Laboratories, Mayo Clinic
Classification: Benign. Last evaluated: 2024-07-02. Review status: criteria provided, single submitter. Criteria: ACMG Guidelines, 2015. Collection method: clinical testing. Allele origin: germline. Observed: 2 variant alleles.
Comment: BS1, BS2, BP4, BP7

GeneDx
Classification: Likely benign. Last evaluated: 2018-07-09. Review status: criteria provided, single submitter. Criteria: GeneDx Variant Classification Process June 2021. Collection method: clinical testing. Allele origin: germline. Affected: yes.

Illumina Laboratory Services, Illumina
Classification: Likely benign for Thyroid dyshormonogenesis 6. Last evaluated: 2018-01-12. Review status: criteria provided, single submitter. Criteria: ICSL Variant Classification Criteria 13 December 2019. Collection method: clinical testing. Allele origin: germline.
Comment: This variant was observed in the ICSL laboratory as part of a predisposition screen in an ostensibly healthy population. It had not been previously curated by ICSL or reported in the Human Gene Mutation Database (HGMD: prior to June 1st, 2018), and was therefore a candidate for classification through an automated scoring system. Utilizing variant allele frequency, disease prevalence and penetrance estimates, and inheritance mode, an automated score was calculated to assess if this variant is too frequent to cause the disease. Based on the score and internal cut-off values, a variant classified as likely benign is not then subjected to further curation. The score for this variant resulted in a classification of likely benign for this disease.

Breakthrough Genomics
Classification: Likely benign. Review status: criteria provided, single submitter. Criteria: ACMG Guidelines, 2015. Collection method: not provided. Allele origin: germline. Inheritance: Autosomal recessive inheritance. Affected: yes.

NM_001363711.2(DUOX2):c.501C>T (p.Asn167=)

Gene: DUOX2 (dual oxidase 2; minus strand). Cytogenetic location: 15q21.1.
Variant type: single nucleotide variant.
Coding change: c.501C>T on transcript NM_001363711.2 (MANE Select); coding-DNA position 501, C replaced by T.
Protein change: p.Asn167=; no amino-acid change (asparagine 167 retained).
Molecular consequence: synonymous variant.
Genome position (GRCh38, 1-based): chr15:45,111,780, G>A on the plus strand (C>T on the coding strand, the complement: DUOX2 is on the minus strand). VCF-style: chr15-45111780-G-A. GRCh37 (hg19) VCF-style: chr15-45403978-G-A.
Other names: p.Asn167=; c.501C>T, p.Asn167= (NM_014080.5).
Identifiers: ClinVar variation 316186 (VCV000316186.20), dbSNP rs76681174, ClinGen allele CA7538942.
Genomic context (GRCh38, chr15:45,111,780, plus strand): 5'-CCCACCTGGCTGGGGTGCGGTCCCTTCCCGCCGCCTTCCCCGCCTCACCAGGTCCCGGGG[G>A]TTGCTGGGACTCCGTCCGGTCTCGGGGTCCCAGCGGCTCCTCTGGAAGGGCAGCACCACG-3'
Protein context (NP_001350640.1, residues 157-177): WDPETGRSPS[Asn167=]PRDLANQVTG